The following is an entry in ClinVar:

ClinVar aggregate classification (germline): Uncertain significance. Review status: criteria provided, multiple submitters, no conflicts (2 of 4 stars). 2 submissions from 2 submitters: Uncertain significance (2). Last evaluated 2021-08-24.

Conditions:
MOGS-congenital disorder of glycosylation. Also called: GLUCOSIDASE I DEFICIENCY; CDG IIb; CDG 2B; MOGS-CDG. Identifiers: Orphanet 79330, MedGen C1853736, MONDO:0011629, OMIM 606056.

Allele frequency attached by ClinVar (database versions not stated): gnomAD exomes 0.00001; gnomAD 0.00005; ExAC 0.00006; TOPMed 0.00007.

Submissions (2):

Labcorp Genetics (formerly Invitae), Labcorp
Classification: Uncertain significance for MOGS-congenital disorder of glycosylation. Last evaluated: 2021-08-24. Review status: criteria provided, single submitter. Criteria: Invitae Variant Classification Sherloc (09022015). Collection method: clinical testing. Allele origin: germline.
Comment: This sequence change replaces serine with leucine at codon 58 of the MOGS protein (p.Ser58Leu). The serine residue is weakly conserved and there is a large physicochemical difference between serine and leucine. This variant is present in population databases (rs749393728, ExAC 0.3%). This variant has not been reported in the literature in individuals affected with MOGS-related conditions. Algorithms developed to predict the effect of missense changes on protein structure and function (SIFT, PolyPhen-2, Align-GVGD) all suggest that this variant is likely to be tolerated. In summary, the available evidence is currently insufficient to determine the role of this variant in disease. Therefore, it has been classified as a Variant of Uncertain Significance.

Blueprint Genetics
Classification: Uncertain significance. Last evaluated: 2019-11-14. Review status: criteria provided, single submitter. Criteria: ACMG Guidelines, 2015. Collection method: clinical testing. Allele origin: germline.

NM_006302.3(MOGS):c.173C>T (p.Ser58Leu)

Genes: MOGS (mannosyl-oligosaccharide glucosidase; minus strand), LOC129934128 (ATAC-STARR-seq lymphoblastoid silent region 11664; plus strand). Cytogenetic location: 2p13.1.
Variant type: single nucleotide variant.
Coding change: c.173C>T on transcript NM_006302.3 (MANE Select); coding-DNA position 173, C replaced by T.
Protein change: p.Ser58Leu; replaces serine 58 with leucine.
Molecular consequence: missense variant. On other transcripts: intron variant (1).
Genome position (GRCh38, 1-based): chr2:74,465,075, G>A on the plus strand (C>T on the coding strand, the complement: MOGS is on the minus strand). VCF-style: chr2-74465075-G-A. GRCh37 (hg19) VCF-style: chr2-74692202-G-A.
Other names: c.-58-88C>T (NM_001146158.2); short protein forms S58L.
Identifiers: ClinVar variation 1006953 (VCV001006953.7), dbSNP rs749393728, ClinGen allele CA1725103.